The following is an entry in ClinVar:

NM_001368894.2(PAX6):c.10+1635_70del

Genes: PAX6 (paired box 6; minus strand), LOC106007493 (regulatory region in intron 4 of PAX6; plus strand). Cytogenetic location: 11p13.
Variant type: Deletion.
Coding change: c.10+1635_70del on transcript NM_001368894.2 (MANE Select); 1635 bases into the intron after coding-DNA position 10 through coding-DNA position 70, 1,993 bases deleted.
Molecular consequence: splice acceptor variant. On other transcripts: splice donor variant (2), intron variant (2).
Genome position (GRCh38, 1-based): chr11:31,802,775-31,804,767, 1,993 bases deleted. GRCh37 (hg19): chr11:31,824,327-31,826,319.
Other names: c.10+1635_70del (NM_001127612.3, NM_001368921.2, NM_001368923.2 and 30 more transcripts); c.111-1041_313del (NM_001368910.2); c.-267-2991_-267-999del (NM_001368909.2); c.14-1933_73del (NM_001368911.2); c.-268+1635_-267-999del (NM_001368904.2); c.-772+1635_-712del (NM_001368905.2); c.-542+622_-339del (NM_001368906.2); c.-441+91_-381del (NM_001368908.2); and 1 more.
Identifiers: ClinVar variation 835485 (VCV000835485.2), ClinGen allele CA916082339.

ClinVar aggregate classification (germline): Likely pathogenic (1 of 4 stars; one submission).

Conditions:
Irido-corneo-trabecular dysgenesis (ASGD5). Also called: ANTERIOR SEGMENT DYSGENESIS 5. Identifiers: Orphanet 708, MedGen C0344559, MONDO:0011414, OMIM 604229, HP:0000659.
Aniridia 1 (AN1). Identifiers: Orphanet 250923, MedGen C0344542, MONDO:0024507, OMIM 106210.

Submission:

Labcorp Genetics (formerly Invitae), Labcorp
Classification: Likely pathogenic for Aniridia 1; Irido-corneo-trabecular dysgenesis. Last evaluated: 2019-04-16. Review status: criteria provided, single submitter. Criteria: Invitae Variant Classification Sherloc (09022015). Collection method: clinical testing. Allele origin: germline.
Comment: This variant is a deletion of the genomic region encompassing part of exon 5 (c.10+1635_70del) of the PAX6 gene. It is expected to disrupt RNA splicing and likely results in an absent or disrupted protein product. This variant has not been reported in the literature in individuals with PAX6-related conditions. Loss-of-function variants in PAX6 are known to be pathogenic (PMID: 12634864). In summary, the currently available evidence indicates that the variant is pathogenic, but additional data are needed to prove that conclusively. Therefore, this variant has been classified as Likely Pathogenic.